The following is an entry in ClinVar:

NM_007194.4(CHEK2):c.80A>G (p.Gln27Arg)

Gene: CHEK2 (checkpoint kinase 2; minus strand). Cytogenetic location: 22q12.1.
Variant type: single nucleotide variant.
Coding change: c.80A>G on transcript NM_007194.4 (MANE Select); coding-DNA position 80, A replaced by G.
Protein change: p.Gln27Arg; replaces glutamine 27 with arginine.
Molecular consequence: missense variant.
Genome position (GRCh38, 1-based): chr22:28,734,642, T>C on the plus strand (A>G on the coding strand, the complement: CHEK2 is on the minus strand). VCF-style: chr22-28734642-T-C. GRCh37 (hg19) VCF-style: chr22-29130630-T-C.
Other names: c.80A>G, p.Gln27Arg (NM_001005735.3, NM_001349956.3, NM_145862.3); c.-698A>G (NM_001257387.3); short protein forms Q27R.
Identifiers: ClinVar variation 647604 (VCV000647604.10), dbSNP rs1060502697, ClinGen allele CA411091636.

ClinVar aggregate classification (germline): Uncertain significance. Review status: criteria provided, multiple submitters, no conflicts (2 of 4 stars). 2 submissions from 2 submitters: Uncertain significance (2). Last evaluated 2023-11-22.

Conditions:
Familial cancer of breast. Also called: hereditary breast carcinoma; Hereditary breast cancer; BREAST CANCER, FAMILIAL. Identifiers: Orphanet 227535, MedGen C0346153, MONDO:0016419, OMIM 114480. Disease mechanism: loss of function.
Hereditary cancer-predisposing syndrome. Also called: Hereditary Cancer Syndrome; Tumor predisposition; Hereditary neoplastic syndrome; Neoplastic Syndromes, Hereditary. Identifiers: Orphanet 140162, MedGen C0027672, MeSH D009386, MONDO:0015356.

Allele frequency attached by ClinVar (database versions not stated): gnomAD exomes below 0.00001; TOPMed below 0.00001.
gnomAD v4.1: 7 of 1,613,816 alleles (0.00043%); highest among the groups gnomAD compares: Non-Finnish European, 0.00059%; no homozygotes.

Submissions (2):

Ambry Genetics
Classification: Uncertain significance for Hereditary cancer-predisposing syndrome. Last evaluated: 2023-11-22. Review status: criteria provided, single submitter. Criteria: Ambry Variant Classification Scheme 2023. Collection method: clinical testing. Allele origin: germline.
Comment: The p.Q27R variant (also known as c.80A>G), located in coding exon 1 of the CHEK2 gene, results from an A to G substitution at nucleotide position 80. The glutamine at codon 27 is replaced by arginine, an amino acid with highly similar properties. This amino acid position is conserved. In addition, the in silico prediction for this alteration is inconclusive. Since supporting evidence is limited at this time, the clinical significance of this alteration remains unclear.

Labcorp Genetics (formerly Invitae), Labcorp
Classification: Uncertain significance for Familial cancer of breast. Last evaluated: 2018-08-05. Review status: criteria provided, single submitter. Criteria: Invitae Variant Classification Sherloc (09022015). Collection method: clinical testing. Allele origin: germline.
Comment: This variant has not been reported in the literature in individuals with CHEK2-related disease. This variant is not present in population databases (ExAC no frequency). This sequence change replaces glutamine with arginine at codon 27 of the CHEK2 protein (p.Gln27Arg). The glutamine residue is moderately conserved and there is a small physicochemical difference between glutamine and arginine. Algorithms developed to predict the effect of missense changes on protein structure and function are either unavailable or do not agree on the potential impact of this missense change (SIFT: "Deleterious"; PolyPhen-2: "Possibly Damaging"; Align-GVGD: "Class C0"). In summary, the available evidence is currently insufficient to determine the role of this variant in disease. Therefore, it has been classified as a Variant of Uncertain Significance.